The following is an entry in ClinVar:

ClinVar aggregate classification (germline): Uncertain significance. Review status: criteria provided, multiple submitters, no conflicts (2 of 4 stars). 2 submissions from 2 submitters: Uncertain significance (2). Last evaluated 2025-12-03.

Conditions:
Familial focal epilepsy with variable foci (FPEVF). Identifiers: Orphanet 98820, MedGen C1858477, MONDO:0020310.

Allele frequency attached by ClinVar (database versions not stated): gnomAD 0.00003; TOPMed 0.00003; 1000 Genomes Project 30x 0.00031; 1000 Genomes Project 0.00040.
gnomAD v4.1: 54 of 1,614,090 alleles (0.0033%); highest among the groups gnomAD compares: South Asian, 0.02%; 1 homozygote.

Submissions (2):

Labcorp Genetics (formerly Invitae), Labcorp
Classification: Uncertain significance for Familial focal epilepsy with variable foci. Last evaluated: 2025-12-03. Review status: criteria provided, single submitter. Criteria: Invitae Variant Classification Sherloc (09022015). Collection method: clinical testing. Allele origin: germline.
Comment: This sequence change replaces arginine, which is basic and polar, with histidine, which is basic and polar, at codon 763 of the DEPDC5 protein (p.Arg763His). This variant is present in population databases (rs542384516, gnomAD 0.02%). This variant has not been reported in the literature in individuals affected with DEPDC5-related conditions. ClinVar contains an entry for this variant (Variation ID: 466467). Experimental studies and prediction algorithms are not available or were not evaluated, and the functional significance of this variant is currently unknown. In summary, the available evidence is currently insufficient to determine the role of this variant in disease. Therefore, it has been classified as a Variant of Uncertain Significance.

Blueprint Genetics
Classification: Uncertain significance. Last evaluated: 2023-02-23. Review status: criteria provided, single submitter. Criteria: ACMG Guidelines, 2015. Collection method: clinical testing. Allele origin: germline.

NM_001242896.3(DEPDC5):c.2288G>A (p.Arg763His)

Gene: DEPDC5 (DEP domain containing 5, GATOR1 subcomplex subunit; plus strand). Cytogenetic location: 22q12.3.
Variant type: single nucleotide variant.
Coding change: c.2288G>A on transcript NM_001242896.3 (MANE Select); coding-DNA position 2288, G replaced by A.
Protein change: p.Arg763His; replaces arginine 763 with histidine.
Molecular consequence: missense variant. On other transcripts: non-coding transcript variant (4).
Genome position (GRCh38, 1-based): chr22:31,837,089, G>A. VCF-style: chr22-31837089-G-A. GRCh37 (hg19) VCF-style: chr22-32233075-G-A.
Other names: c.2261G>A, p.Arg754His (NM_001136029.4, NM_001369903.1, NM_014662.6); c.2054G>A, p.Arg685His (NM_001242897.2, NM_001363854.2, NM_001364319.2); c.2288G>A, p.Arg763His (NM_001363852.2, NM_001364318.2, NM_001364320.2); c.2204G>A, p.Arg735His (NM_001369901.1, NM_001369902.1); short protein forms R685H, R763H, R735H, R754H.
Identifiers: ClinVar variation 466467 (VCV000466467.12), dbSNP rs542384516, ClinGen allele CA10196676.
Genomic context (GRCh38, chr22:31,837,089, plus strand): 5'-ACTGGAAGTCTCTCACTACTCCGGCGTGCCTCCCCCTTACCACCGACTACTTCCCTGACC[G>A]CCAGGGCCTGCAGAATGACTACACAGAGGGCTGTTATGATCTCCTTCCAGAAGCAGACAT-3'
Protein context (NP_001229825.1, residues 753-773): LPLTTDYFPD[Arg763His]QGLQNDYTEG